The following is an entry in ClinVar:

ClinVar aggregate classification (germline): Uncertain significance (1 of 4 stars; one submission).

Allele frequency attached by ClinVar (database versions not stated): gnomAD exomes below 0.00001; gnomAD 0.00001.
gnomAD v4.1: 2 of 1,612,628 alleles (0.00012%); highest among the groups gnomAD compares: African/African-American, 0.0013%; no homozygotes.

Submission:

Labcorp Genetics (formerly Invitae), Labcorp
Classification: Uncertain significance. Last evaluated: 2022-08-24. Review status: criteria provided, single submitter. Criteria: Invitae Variant Classification Sherloc (09022015). Collection method: clinical testing. Allele origin: germline.
Comment: In summary, the available evidence is currently insufficient to determine the role of this variant in disease. Therefore, it has been classified as a Variant of Uncertain Significance. Algorithms developed to predict the effect of missense changes on protein structure and function are either unavailable or do not agree on the potential impact of this missense change (SIFT: "Tolerated"; PolyPhen-2: "Possibly Damaging"; Align-GVGD: "Class C0"). This variant has not been reported in the literature in individuals affected with DIAPH3-related conditions. This variant is not present in population databases (gnomAD no frequency). This sequence change replaces arginine, which is basic and polar, with glutamine, which is neutral and polar, at codon 144 of the DIAPH3 protein (p.Arg144Gln).

NM_001042517.2(DIAPH3):c.431G>A (p.Arg144Gln)

Gene: DIAPH3 (diaphanous related formin 3; minus strand). Cytogenetic location: 13q21.2.
Variant type: single nucleotide variant.
Coding change: c.431G>A on transcript NM_001042517.2 (MANE Select); coding-DNA position 431, G replaced by A.
Protein change: p.Arg144Gln; replaces arginine 144 with glutamine.
Molecular consequence: missense variant. On other transcripts: intron variant (1).
Genome position (GRCh38, 1-based): chr13:60,093,692, C>T on the plus strand (G>A on the coding strand, the complement: DIAPH3 is on the minus strand). VCF-style: chr13-60093692-C-T. GRCh37 (hg19) VCF-style: chr13-60667826-C-T.
Other names: c.398G>A, p.Arg133Gln (NM_001258366.2); c.221G>A, p.Arg74Gln (NM_001258368.2); c.431G>A, p.Arg144Gln (NM_001258369.2); c.357+18318G>A (NM_001258367.2); short protein forms R133Q, R144Q, R74Q.
Identifiers: ClinVar variation 1965549 (VCV001965549.5), dbSNP rs2058023329, ClinGen allele CA388337143.